The following is an entry in ClinVar:

NM_004655.4(AXIN2):c.2134A>C (p.Lys712Gln)

Gene: AXIN2 (axin 2; minus strand). Cytogenetic location: 17q24.1.
Variant type: single nucleotide variant.
Coding change: c.2134A>C on transcript NM_004655.4 (MANE Select); coding-DNA position 2134, A replaced by C.
Protein change: p.Lys712Gln; replaces lysine 712 with glutamine.
Molecular consequence: missense variant.
Genome position (GRCh38, 1-based): chr17:65,536,327, T>G on the plus strand (A>C on the coding strand, the complement: AXIN2 is on the minus strand). VCF-style: chr17-65536327-T-G. GRCh37 (hg19) VCF-style: chr17-63532445-T-G.
Other names: c.1939A>C, p.Lys647Gln (NM_001363813.1); short protein forms K712Q, K647Q.
Identifiers: ClinVar variation 3814109 (VCV003814109.1).
Genomic context (GRCh38, chr17:65,536,327, plus strand): 5'-CTCCACCCAAACCCAATCCCTGCCTCAACCTAGGACCCTTCACTTCCACTCACCGCTGCT[T>G]TGGGGGCTTCGACACCTCAGCTAGCCTGCGACAGGCCTCCTCCAGCTGAGCCAGCGTGTT-3'
Protein context (NP_004646.3, residues 702-722): RRLAEVSKPP[Lys712Gln]QRCCVASQQR

ClinVar aggregate classification (germline): Uncertain significance (1 of 4 stars; one submission).

Conditions:
Hereditary cancer-predisposing syndrome. Also called: Hereditary neoplastic syndrome; Neoplastic Syndromes, Hereditary; Tumor predisposition; Hereditary Cancer Syndrome. Identifiers: Orphanet 140162, MedGen C0027672, MeSH D009386, MONDO:0015356.

Submission:

Ambry Genetics
Classification: Uncertain significance for Hereditary cancer-predisposing syndrome. Last evaluated: 2024-12-15. Review status: criteria provided, single submitter. Criteria: Ambry Variant Classification Scheme 2023. Collection method: clinical testing. Allele origin: germline.
Comment: The p.K712Q variant (also known as c.2134A>C), located in coding exon 7 of the AXIN2 gene, results from an A to C substitution at nucleotide position 2134. The lysine at codon 712 is replaced by glutamine, an amino acid with similar properties. This amino acid position is conserved. In addition, the in silico prediction for this alteration is inconclusive. Based on the available evidence, the clinical significance of this variant remains unclear.